The following is an entry in ClinVar:

ClinVar aggregate classification (germline): Uncertain significance. Review status: criteria provided, multiple submitters, no conflicts (2 of 4 stars). 3 submissions from 3 submitters: Uncertain significance (3). Last evaluated 2026-02-02.

Conditions:
Inborn genetic diseases. Identifiers: MedGen C0950123, MeSH D030342.
Autosomal recessive limb-girdle muscular dystrophy type 2Q (LGMDR17). Also called: MUSCULAR DYSTROPHY, LIMB-GIRDLE, AUTOSOMAL RECESSIVE 17. Identifiers: Orphanet 254361, MedGen C3150989, MONDO:0013390, OMIM 613723.
Epidermolysis bullosa simplex, Ogna type (EBS5A). Also called: Pidermolysis bullosa simplex 5A, Ogna type; EPIDERMOLYSIS BULLOSA SIMPLEX 5A, OGNA TYPE. Identifiers: Orphanet 79401, MedGen C0432317, MONDO:0007555, OMIM 131950.
Epidermolysis bullosa simplex 5B, with muscular dystrophy (EBS5B). Also called: EPIDERMOLYSIS BULLOSA SIMPLEX AND LIMB-GIRDLE MUSCULAR DYSTROPHY; Epidermolysis bullosa simplex with muscular dystrophy. Identifiers: Orphanet 257, MedGen C2931072, MONDO:0009181, OMIM 226670.
Epidermolysis bullosa simplex 5C, with pyloric atresia (EBS5C). Also called: PLEC-Related Epidermolysis Bullosa with Pyloric Atresia; Epidermolysis bullosa simplex with pyloric atresia; PLEC1-Related Epidermolysis Bullosa with Pyloric Atresia. Identifiers: Orphanet 158684, MedGen C2677349, MONDO:0012807, OMIM 612138.
Epidermolysis bullosa simplex with nail dystrophy (EBS5D). Identifiers: MedGen C4225309, MONDO:0014661, OMIM 616487.
PLEC-related disorder. Also called: PLEC-related disorders; PLEC-related condition.

Allele frequency attached by ClinVar (database versions not stated): TOPMed 0.00005.
gnomAD v4.1: 38 of 1,613,132 alleles (0.0024%); highest among the groups gnomAD compares: African/African-American, 0.013%; no homozygotes.

Submissions (3):

PreventionGenetics, part of Exact Sciences
Classification: Uncertain significance for PLEC-related condition. Last evaluated: 2026-02-02. Review status: criteria provided, single submitter. Criteria: ACMG Guidelines, 2015. Collection method: clinical testing. Allele origin: germline.
Comment: The PLEC c.9908C>T variant is predicted to result in the amino acid substitution p.Thr3303Met. To our knowledge, this variant has not been reported in the literature. This variant is reported in 0.026% of alleles in individuals of African descent in gnomAD. At this time, the clinical significance of this variant is uncertain due to the absence of conclusive functional and genetic evidence.

Labcorp Genetics (formerly Invitae), Labcorp
Classification: Uncertain significance for Autosomal recessive limb-girdle muscular dystrophy type 2Q; Epidermolysis bullosa simplex, Ogna type; Epidermolysis bullosa simplex with nail dystrophy; Epidermolysis bullosa simplex 5C, with pyloric atresia; Epidermolysis bullosa simplex 5B, with muscular dystrophy. Last evaluated: 2025-11-03. Review status: criteria provided, single submitter. Criteria: Invitae Variant Classification Sherloc (09022015). Collection method: clinical testing. Allele origin: germline.
Comment: This sequence change replaces threonine, which is neutral and polar, with methionine, which is neutral and non-polar, at codon 3303 of the PLEC protein (p.Thr3303Met). This variant is present in population databases (rs782700611, gnomAD 0.03%). This variant has not been reported in the literature in individuals affected with PLEC-related conditions. ClinVar contains an entry for this variant (Variation ID: 1417199). An algorithm developed to predict the effect of missense changes on protein structure and function (PolyPhen-2) suggests that this variant is likely to be tolerated. In summary, the available evidence is currently insufficient to determine the role of this variant in disease. Therefore, it has been classified as a Variant of Uncertain Significance.

Ambry Genetics
Classification: Uncertain significance for Inborn genetic diseases. Last evaluated: 2024-06-19. Review status: criteria provided, single submitter. Criteria: Ambry Variant Classification Scheme 2023. Collection method: clinical testing. Allele origin: germline.

NM_201384.3(PLEC):c.9827C>T (p.Thr3276Met)

Gene: PLEC (plectin; minus strand). Cytogenetic location: 8q24.3.
Variant type: single nucleotide variant.
Coding change: c.9827C>T on transcript NM_201384.3 (MANE Select); coding-DNA position 9827, C replaced by T.
Protein change: p.Thr3276Met; replaces threonine 3276 with methionine.
Molecular consequence: missense variant.
Genome position (GRCh38, 1-based): chr8:143,919,994, G>A on the plus strand (C>T on the coding strand, the complement: PLEC is on the minus strand). VCF-style: chr8-143919994-G-A. GRCh37 (hg19) VCF-style: chr8-144994162-G-A.
Other names: c.9908C>T (NM_000445.3, NM_000445.4); c.9908C>T, p.Thr3303Met (NM_000445.5); c.9785C>T, p.Thr3262Met (NM_201378.4); c.9761C>T, p.Thr3254Met (NM_201379.3); c.10238C>T, p.Thr3413Met (NM_201380.4); c.9731C>T, p.Thr3244Met (NM_201381.3); c.9827C>T, p.Thr3276Met (NM_201382.4); c.9839C>T, p.Thr3280Met (NM_201383.3); short protein forms T3262M, T3280M, T3254M, T3244M, T3276M, T3413M, T3303M.
Identifiers: ClinVar variation 1417199 (VCV001417199.8), dbSNP rs782700611, ClinGen allele CA4924842.